The following is an entry in ClinVar:

NM_001365951.3(KIF1B):c.5289+1G>A

Gene: KIF1B (kinesin family member 1B; plus strand). Cytogenetic location: 1p36.22.
Variant type: single nucleotide variant.
Coding change: c.5289+1G>A on transcript NM_001365951.3 (MANE Select); the canonical splice donor site of the intron after coding-DNA position 5289, G replaced by A.
Molecular consequence: splice donor variant.
Genome position (GRCh38, 1-based): chr1:10,375,047, G>A. VCF-style: chr1-10375047-G-A. GRCh37 (hg19) VCF-style: chr1-10435105-G-A.
Other names: c.5151+1G>A (NM_015074.3); c.5289+1G>A (NM_001365952.1).
Identifiers: ClinVar variation 4085592 (VCV004085592.8).

ClinVar aggregate classification (germline): Uncertain significance (1 of 4 stars; one submission).

Submission:

CeGaT Center for Human Genetics Tuebingen
Classification: Uncertain significance. Last evaluated: 2025-07-01. Review status: criteria provided, single submitter. Criteria: CeGaT Center For Human Genetics Tuebingen Variant Classification Criteria Version 2. Collection method: clinical testing. Allele origin: germline. Affected: yes. Observed: 1 variant allele.
Comment: KIF1B: PM2